The following is an entry in ClinVar:

ClinVar aggregate classification (germline): Benign. Review status: criteria provided, single submitter (1 of 4 stars). 2 submissions from 2 submitters: Benign (1). 1 of the submissions does not count toward it. Last evaluated 2019-12-31.

Conditions:
MCTP2-related disorder. Also called: MCTP2-related condition.

Allele frequency attached by ClinVar (database versions not stated): gnomAD 0.00016 and 0.00033; TOPMed 0.00020; ExAC 0.00025; 1000 Genomes Project 30x 0.00141; 1000 Genomes Project 0.00180.
gnomAD v4.1: 739 of 1,614,088 alleles (0.046%); highest among the groups gnomAD compares: East Asian, 1.5%; 6 homozygotes.

Submissions (2):

Labcorp Genetics (formerly Invitae), Labcorp
Classification: Benign. Last evaluated: 2019-12-31. Review status: criteria provided, single submitter. Criteria: Invitae Variant Classification Sherloc (09022015). Collection method: clinical testing. Allele origin: germline.

PreventionGenetics, part of Exact Sciences
Classification: Likely benign for MCTP2-related condition. Last evaluated: 2019-03-27. Review status: no assertion criteria provided. Collection method: clinical testing. Allele origin: germline. Not counted in ClinVar's aggregate classification.
Comment: This variant is classified as likely benign based on ACMG/AMP sequence variant interpretation guidelines (Richards et al. 2015 PMID: 25741868, with internal and published modifications).

NM_001385001.1(MCTP2):c.207C>T (p.Ser69=)

Gene: MCTP2 (multiple C2 and transmembrane domain containing 2; plus strand). Cytogenetic location: 15q26.2.
Variant type: single nucleotide variant.
Coding change: c.207C>T on transcript NM_001385001.1 (MANE Select); coding-DNA position 207, C replaced by T.
Protein change: p.Ser69=; no amino-acid change (serine 69 retained).
Molecular consequence: synonymous variant. On other transcripts: 5 prime UTR variant (2), non-coding transcript variant (7), intron variant (2).
Genome position (GRCh38, 1-based): chr15:94,298,472, C>T. VCF-style: chr15-94298472-C-T. GRCh37 (hg19) VCF-style: chr15-94841701-C-T.
Other names: c.207C>T, p.Ser69= (NM_001159643.2, NM_001385002.1, NM_001385003.1 and 5 more transcripts); c.-134C>T (NM_001385007.1, NM_001385011.1); c.-33-15810C>T (NM_001385009.1, NM_001385010.1).
Identifiers: ClinVar variation 708180 (VCV000708180.6), dbSNP rs147356828, ClinGen allele CA7749427.